The following is an entry in ClinVar:

ClinVar aggregate classification (germline): Likely benign (0 of 4 stars; one submission).

Conditions:
SLC6A5-related disorder. Also called: SLC6A5-related condition.

Allele frequency attached by ClinVar (database versions not stated): ExAC 0.00001.

Submission:

PreventionGenetics, part of Exact Sciences
Classification: Likely benign for SLC6A5-related condition. Last evaluated: 2019-07-30. Review status: no assertion criteria provided. Collection method: clinical testing. Allele origin: germline.
Comment: This variant is classified as likely benign based on ACMG/AMP sequence variant interpretation guidelines (Richards et al. 2015 PMID: 25741868, with internal and published modifications).

NM_004211.5(SLC6A5):c.*9del

Gene: SLC6A5 (solute carrier family 6 member 5; plus strand). Cytogenetic location: 11p15.1.
Variant type: Deletion.
Coding change: c.*9del on transcript NM_004211.5 (MANE Select); 9 bases downstream of the stop codon, one base deleted (T; older notation c.*9delT).
Molecular consequence: 3 prime UTR variant.
Genome position (GRCh38, 1-based): chr11:20,654,877, T deleted. VCF-style (leftmost placement, unchanged base first): chr11-20654876-GT-G. GRCh37 (hg19) VCF-style: chr11-20676422-GT-G.
Other names: c.*9del (NM_001318369.2).
Identifiers: ClinVar variation 3035553 (VCV003035553.2), dbSNP rs774839928, ClinGen allele CA5921790.